The following is an entry in ClinVar:

ClinVar aggregate classification (germline): Uncertain significance. Review status: criteria provided, multiple submitters, no conflicts (2 of 4 stars). 4 submissions from 4 submitters: Uncertain significance (4). Last evaluated 2023-10-20.

Conditions:
Wolcott-Rallison dysplasia. Also called: MED-IDDM SYNDROME; Wolcott-Rallison syndrome. Identifiers: Orphanet 1667, MedGen C0432217, MONDO:0009192, OMIM 226980.
Inborn genetic diseases. Identifiers: MedGen C0950123, MeSH D030342.

Allele frequency attached by ClinVar (database versions not stated): gnomAD 0.00001; gnomAD exomes 0.00001 and 0.00002; TOPMed 0.00002; ExAC 0.00003.
gnomAD v4.1: 25 of 1,609,506 alleles (0.0016%); highest among the groups gnomAD compares: Non-Finnish European, 0.0019%; no homozygotes.

Submissions (4):

Ambry Genetics
Classification: Uncertain significance for Inborn genetic diseases. Last evaluated: 2023-10-20. Review status: criteria provided, single submitter. Criteria: Ambry Variant Classification Scheme 2023. Collection method: clinical testing. Allele origin: germline.

Fulgent Genetics
Classification: Uncertain significance for Wolcott-Rallison dysplasia. Last evaluated: 2022-04-11. Review status: criteria provided, single submitter. Criteria: ACMG Guidelines, 2015. Collection method: clinical testing. Allele origin: unknown.

Labcorp Genetics (formerly Invitae), Labcorp
Classification: Uncertain significance. Last evaluated: 2021-09-02. Review status: criteria provided, single submitter. Criteria: Invitae Variant Classification Sherloc (09022015). Collection method: clinical testing. Allele origin: germline.
Comment: This sequence change replaces serine with arginine at codon 688 of the EIF2AK3 protein (p.Ser688Arg). The serine residue is moderately conserved and there is a moderate physicochemical difference between serine and arginine. This variant is present in population databases (rs771612567, ExAC 0.006%). This variant has not been reported in the literature in individuals affected with EIF2AK3-related conditions. ClinVar contains an entry for this variant (Variation ID: 337409). Algorithms developed to predict the effect of missense changes on protein structure and function are either unavailable or do not agree on the potential impact of this missense change (SIFT: "Tolerated"; PolyPhen-2: "Possibly Damaging"; Align-GVGD: "Class C0"). In summary, the available evidence is currently insufficient to determine the role of this variant in disease. Therefore, it has been classified as a Variant of Uncertain Significance.

Genetic Services Laboratory, University of Chicago
Classification: Uncertain significance. Last evaluated: 2017-04-05. Review status: criteria provided, single submitter. Criteria: ACMG Guidelines, 2015. Collection method: clinical testing. Allele origin: germline. Affected: no.

NM_004836.7(EIF2AK3):c.2064C>A (p.Ser688Arg)

Genes: EIF2AK3 (eukaryotic translation initiation factor 2 alpha kinase 3; minus strand), EIF2AK3-AS1 (EIF2AK3 antisense RNA 1; plus strand). Cytogenetic location: 2p11.2.
Variant type: single nucleotide variant.
Coding change: c.2064C>A on transcript NM_004836.7 (MANE Select); coding-DNA position 2064, C replaced by A.
Protein change: p.Ser688Arg; replaces serine 688 with arginine.
Molecular consequence: missense variant. On other transcripts: non-coding transcript variant (1).
Genome position (GRCh38, 1-based): chr2:88,575,419, G>T on the plus strand (C>A on the coding strand, the complement: EIF2AK3 is on the minus strand). VCF-style: chr2-88575419-G-T. GRCh37 (hg19) VCF-style: chr2-88874937-G-T.
Other names: c.1611C>A, p.Ser537Arg (NM_001313915.2); short protein forms S688R, S537R.
Identifiers: ClinVar variation 337409 (VCV000337409.16), dbSNP rs771612567, ClinGen allele CA1754514.
Genomic context (GRCh38, chr2:88,575,419, plus strand): 5'-ATGTTCTTTTGTAGCGAAAGGATCCATTCTGCGTATTTTAACTGATGGTGCATCCATTGG[G>T]CTAGGAGAGCTGAGTGGCCAGTCTGTGCTAAAAGTGGGAGAAATACAAAGGGGTAAGAGT-3'
Protein context (NP_004827.4, residues 678-698): ESTDWPLSSP[Ser688Arg]PMDAPSVKIR